The following is an entry in ClinVar:

NM_004369.4(COL6A3):c.2620C>T (p.Arg874Ter)

Gene: COL6A3 (collagen type VI alpha 3 chain; minus strand). Cytogenetic location: 2q37.3.
Variant type: single nucleotide variant.
Coding change: c.2620C>T on transcript NM_004369.4 (MANE Select); coding-DNA position 2620, C replaced by T.
Protein change: p.Arg874Ter; replaces arginine 874 with a stop codon.
Molecular consequence: nonsense.
Genome position (GRCh38, 1-based): chr2:237,377,222, G>A on the plus strand (C>T on the coding strand, the complement: COL6A3 is on the minus strand). VCF-style: chr2-237377222-G-A. GRCh37 (hg19) VCF-style: chr2-238285865-G-A.
Other names: c.1399C>T, p.Arg467Ter (NM_057164.5); c.2002C>T, p.Arg668Ter (NM_057165.5, NM_057167.4); c.799C>T, p.Arg267Ter (NM_057166.5); short protein forms R874*, R668*, R467*, R267*.
Identifiers: ClinVar variation 476512 (VCV000476512.10), dbSNP rs1553561409, ClinGen allele CA351211117.

ClinVar aggregate classification (germline): Pathogenic (1 of 4 stars; one submission).

Conditions:
Bethlem myopathy 1A. Also called: Bethlem Muscular Dystrophy; MYOPATHY, BENIGN CONGENITAL, WITH CONTRACTURES; Bethlem myopathy 1. Identifiers: Orphanet 610, MedGen CN029274, MONDO:0024530, OMIM 158810.

Allele frequency attached by ClinVar (database versions not stated): gnomAD exomes 0.00001.
gnomAD v4.1: 7 of 1,613,362 alleles (0.00043%); highest among the groups gnomAD compares: Non-Finnish European, 0.00059%; no homozygotes.

Submission:

Labcorp Genetics (formerly Invitae), Labcorp
Classification: Pathogenic for Bethlem myopathy 1A. Last evaluated: 2025-08-05. Review status: criteria provided, single submitter. Criteria: Invitae Variant Classification Sherloc (09022015). Collection method: clinical testing. Allele origin: germline.
Comment: This sequence change creates a premature translational stop signal (p.Arg874*) in the COL6A3 gene. It is expected to result in an absent or disrupted protein product. Loss-of-function variants in COL6A3 are known to be pathogenic (PMID: 26004199). This variant is not present in population databases (gnomAD no frequency). This variant has not been reported in the literature in individuals affected with COL6A3-related conditions. ClinVar contains an entry for this variant (Variation ID: 476512). For these reasons, this variant has been classified as Pathogenic.

Literature cited by the submitters: PubMed 26004199.